The following is an entry in ClinVar:

NM_001903.5(CTNNA1):c.1690G>T (p.Glu564Ter)

Gene: CTNNA1 (catenin alpha 1; plus strand). Cytogenetic location: 5q31.2.
Variant type: single nucleotide variant.
Coding change: c.1690G>T on transcript NM_001903.5 (MANE Select); coding-DNA position 1690, G replaced by T.
Protein change: p.Glu564Ter; replaces glutamic acid 564 with a stop codon.
Molecular consequence: nonsense.
Genome position (GRCh38, 1-based): chr5:138,924,653, G>T. VCF-style: chr5-138924653-G-T. GRCh37 (hg19) VCF-style: chr5-138260342-G-T.
Other names: c.580G>T, p.Glu194Ter (NM_001323998.1, NM_001323999.1, NM_001324000.1 and 17 more transcripts); c.241G>T, p.Glu81Ter (NM_001324006.1, NM_001324007.1, NM_001324008.1 and 2 more transcripts); c.487G>T, p.Glu163Ter (NM_001324011.1); c.337G>T, p.Glu113Ter (NM_001324012.1, NM_001324013.1); c.1690G>T, p.Glu564Ter (NM_001290307.3, NM_001323982.2, NM_001323983.1 and 2 more transcripts); c.1381G>T, p.Glu461Ter (NM_001290309.3); c.1321G>T, p.Glu441Ter (NM_001290310.3); c.1597G>T, p.Glu533Ter (NM_001323986.2); short protein forms E163*, E81*, E441*, E533*, E461*, E113*, E194*, E564*.
Identifiers: ClinVar variation 5035008 (VCV005035008.1).

ClinVar aggregate classification (germline): Pathogenic (1 of 4 stars; one submission).

Conditions:
Hereditary cancer-predisposing syndrome. Also called: Hereditary Cancer Syndrome; Neoplastic Syndromes, Hereditary; Tumor predisposition; Hereditary neoplastic syndrome. Identifiers: Orphanet 140162, MedGen C0027672, MeSH D009386, MONDO:0015356.

Submission:

Ambry Genetics
Classification: Pathogenic for Hereditary cancer-predisposing syndrome. Last evaluated: 2026-08-14. Review status: criteria provided, single submitter. Criteria: Ambry Variant Classification Scheme 2023. Collection method: clinical testing. Allele origin: germline.
Comment: The p.E564* pathogenic mutation (also known as c.1690G>T), located in coding exon 11 of the CTNNA1 gene, results from a G to T substitution at nucleotide position 1690. This changes the amino acid from a glutamic acid to a stop codon within coding exon 11. This variant is considered to be rare based on population cohorts in the Genome Aggregation Database (gnomAD). This alteration is expected to result in loss of function by premature protein truncation or nonsense-mediated mRNA decay. As such, this alteration is interpreted as a disease-causing mutation.